The following is an entry in ClinVar:

ClinVar aggregate classification (germline): Pathogenic/Likely pathogenic. Review status: criteria provided, multiple submitters, no conflicts (2 of 4 stars). 4 submissions from 4 submitters: Pathogenic (1); Likely pathogenic (3). Last evaluated 2024-11-20.

Conditions:
Rare genetic deafness. Identifiers: Orphanet 96210, MedGen C5680250.
Autosomal recessive nonsyndromic hearing loss 3. Also called: NEUROSENSORY NONSYNDROMIC RECESSIVE DEAFNESS 3. Identifiers: Orphanet 90636, MedGen C1838263, MONDO:0010860, OMIM 600316.
MYO15A-related disorder. Also called: MYO15A-related condition.

Allele frequency attached by ClinVar (database versions not stated): TOPMed 0.00001; ExAC 0.00002; gnomAD 0.00002.
gnomAD v4.1: 27 of 1,613,672 alleles (0.0017%); highest among the groups gnomAD compares: Non-Finnish European, 0.0019%; no homozygotes.

Submissions (4):

PreventionGenetics, part of Exact Sciences
Classification: Likely pathogenic for MYO15A-related condition. Last evaluated: 2024-11-20. Review status: criteria provided, single submitter. Criteria: ACMG Guidelines, 2015. Collection method: clinical testing. Allele origin: germline.
Comment: The MYO15A c.8341-2A>C variant is predicted to disrupt the AG splice acceptor site and interfere with normal splicing. To our knowledge this variant has not been reported in the literature. This variant is reported in 0.0054% of alleles in individuals of European (Non-Finnish) descent in gnomAD. Variants that disrupt the consensus splice acceptor site in MYO15A are expected to be pathogenic. This variant is interpreted as likely pathogenic.

Victorian Clinical Genetics Services, Murdoch Childrens Research Institute
Classification: Likely pathogenic for Autosomal recessive nonsyndromic hearing loss 3. Last evaluated: 2024-10-16. Review status: criteria provided, single submitter. Criteria: ACMG Guidelines, 2015. Collection method: clinical testing. Allele origin: germline. Affected: yes.
Comment: This variant is classified as Likely pathogenic. Evidence in support of pathogenic classification: Canonical splice site variant without proven consequence on splicing (no functional evidence available); Variant is present in gnomAD <0.01 for a recessive condition (v4: 27 heterozygote(s), 0 homozygote(s)); This variant has limited previous evidence of pathogenicity in unrelated individual(s). This variant has been classified as likely pathogenic and pathogenic by clinical laboratories in ClinVar. - Abnormal splicing is predicted by in silico tool and affected nucleotide is highly conserved. Additional information: This variant is heterozygous; This gene is associated with autosomal recessive disease; An alternative nucleotide change at the same canonical splice site is observed in gnomAD (v4: 2 heterozygote(s), 0 homozygote(s)); No published segregation evidence has been identified for this variant; No published functional evidence has been identified for this variant; No comparable splice site variants have previous evidence for pathogenicity; Loss of function is a known mechanism of disease in this gene and is associated with autosomal recessive deafness 3 (MIM3600316); Inheritance information for this variant is not currently available in this individual.

Labcorp Genetics (formerly Invitae), Labcorp
Classification: Likely pathogenic. Last evaluated: 2024-05-06. Review status: criteria provided, single submitter. Criteria: Invitae Variant Classification Sherloc (09022015). Collection method: clinical testing. Allele origin: germline.
Comment: This sequence change affects an acceptor splice site in intron 46 of the MYO15A gene. It is expected to disrupt RNA splicing. Variants that disrupt the donor or acceptor splice site typically lead to a loss of protein function (PMID: 16199547), and loss-of-function variants in MYO15A are known to be pathogenic (PMID: 17546645). This variant is present in population databases (rs778404517, gnomAD 0.003%). This variant has not been reported in the literature in individuals affected with MYO15A-related conditions. ClinVar contains an entry for this variant (Variation ID: 517420). Algorithms developed to predict the effect of sequence changes on RNA splicing suggest that this variant may disrupt the consensus splice site. In summary, the currently available evidence indicates that the variant is pathogenic, but additional data are needed to prove that conclusively. Therefore, this variant has been classified as Likely Pathogenic.

Laboratory for Molecular Medicine, Mass General Brigham Personalized Medicine
Classification: Pathogenic for Rare genetic deafness. Last evaluated: 2017-06-13. Review status: criteria provided, single submitter. Criteria: LMM Criteria. Collection method: clinical testing. Allele origin: germline. Observed: 2 variant alleles.
Comment: The c.8341-2A>C variant in MYO15A has not been previously reported in individual s with hearing loss, but has been identified in 4/126622 European chromosomes by the Genome Aggregation Database (gnomAD; dbSN P rs778404517). Although this variant has been seen in the general population, i ts frequency is low enough to be consistent with a carrier frequency for recessi ve hearing loss. This variant occurs in the invariant region (+/- 1,2) of the sp lice consensus sequence and is predicted to cause altered splicing leading to an abnormal or absent protein. In summary, this variant meets criteria to be class ified as pathogenic for autosomal recessive hearing loss based on the predicted impact to the protein.

Literature cited by the submitters: PubMed 16199547 (cited by Labcorp Genetics (formerly Invitae), Labcorp); PubMed 17546645 (cited by Labcorp Genetics (formerly Invitae), Labcorp).

NM_016239.4(MYO15A):c.8341-2A>C

Gene: MYO15A (myosin XVA; plus strand). Cytogenetic location: 17p11.2.
Variant type: single nucleotide variant.
Coding change: c.8341-2A>C on transcript NM_016239.4 (MANE Select); the canonical splice acceptor site of the intron before coding-DNA position 8341, A replaced by C.
Molecular consequence: splice acceptor variant.
Genome position (GRCh38, 1-based): chr17:18,155,312, A>C. VCF-style: chr17-18155312-A-C. GRCh37 (hg19) VCF-style: chr17-18058626-A-C.
Identifiers: ClinVar variation 517420 (VCV000517420.10), dbSNP rs778404517, ClinGen allele CA8425138.